The following is an entry in ClinVar:

ClinVar aggregate classification (germline): Uncertain significance (1 of 4 stars; one submission).

Conditions:
Hypertrophic cardiomyopathy 26. Also called: Cardiomyopathy, familial hypertrophic, 26. Identifiers: Orphanet 75249, MedGen C4310749, MONDO:0014883, OMIM 617047.
Myofibrillar myopathy 5. Also called: Filaminopathy (type); FILAMINOPATHY, AUTOSOMAL DOMINANT. Identifiers: Orphanet 171445, MedGen C1836050, MONDO:0012289, OMIM 609524.
Distal myopathy with posterior leg and anterior hand involvement. Also called: WILLIAMS DISTAL MYOPATHY. Identifiers: Orphanet 63273, MedGen C3279722, MONDO:0013550, OMIM 614065.

Submission:

Labcorp Genetics (formerly Invitae), Labcorp
Classification: Uncertain significance for Distal myopathy with posterior leg and anterior hand involvement; Myofibrillar myopathy 5; Hypertrophic cardiomyopathy 26. Last evaluated: 2024-05-20. Review status: criteria provided, single submitter. Criteria: Invitae Variant Classification Sherloc (09022015). Collection method: clinical testing. Allele origin: germline.
Comment: This sequence change replaces lysine, which is basic and polar, with glutamic acid, which is acidic and polar, at codon 1037 of the FLNC protein (p.Lys1037Glu). This variant is not present in population databases (gnomAD no frequency). This variant has not been reported in the literature in individuals affected with FLNC-related conditions. Advanced modeling of protein sequence and biophysical properties (such as structural, functional, and spatial information, amino acid conservation, physicochemical variation, residue mobility, and thermodynamic stability) has been performed at Invitae for this missense variant, however the output from this modeling did not meet the statistical confidence thresholds required to predict the impact of this variant on FLNC protein function. In summary, the available evidence is currently insufficient to determine the role of this variant in disease. Therefore, it has been classified as a Variant of Uncertain Significance.

NM_001458.5(FLNC):c.3109A>G (p.Lys1037Glu)

Gene: FLNC (filamin C; plus strand). Cytogenetic location: 7q32.1.
Variant type: single nucleotide variant.
Coding change: c.3109A>G on transcript NM_001458.5 (MANE Select); coding-DNA position 3109, A replaced by G.
Protein change: p.Lys1037Glu; replaces lysine 1037 with glutamic acid.
Molecular consequence: missense variant.
Genome position (GRCh38, 1-based): chr7:128,844,183, A>G. VCF-style: chr7-128844183-A-G. GRCh37 (hg19) VCF-style: chr7-128484237-A-G.
Other names: c.3109A>G, p.Lys1037Glu (NM_001127487.2); short protein forms K1037E.
Identifiers: ClinVar variation 2940963 (VCV002940963.3), dbSNP rs2536635760, ClinGen allele CA369194377.